The following is an entry in ClinVar:

ClinVar aggregate classification (germline): Uncertain significance (1 of 4 stars; one submission).

Conditions:
Immunodeficiency 67. Also called: Immunodeficiency due to interleukin-1 receptor-associated kinase-4 deficiency. Identifiers: Orphanet 70592, MedGen C1843256, MONDO:0011888, OMIM 607676.

Allele frequency attached by ClinVar (database versions not stated): ExAC 0.00001; gnomAD exomes 0.00001; TOPMed 0.00001; ESP Exome Variant Server 0.00008.
gnomAD v4.1: 14 of 1,613,504 alleles (0.00087%); highest among the groups gnomAD compares: Middle Eastern, 0.017%; no homozygotes.

Submission:

Labcorp Genetics (formerly Invitae), Labcorp
Classification: Uncertain significance for Immunodeficiency 67. Last evaluated: 2022-08-09. Review status: criteria provided, single submitter. Criteria: Invitae Variant Classification Sherloc (09022015). Collection method: clinical testing. Allele origin: germline.
Comment: This sequence change replaces isoleucine, which is neutral and non-polar, with threonine, which is neutral and polar, at codon 26 of the IRAK4 protein (p.Ile26Thr). This variant is present in population databases (rs138116867, gnomAD 0.003%). This variant has not been reported in the literature in individuals affected with IRAK4-related conditions. ClinVar contains an entry for this variant (Variation ID: 1043691). Algorithms developed to predict the effect of missense changes on protein structure and function (SIFT, PolyPhen-2, Align-GVGD) all suggest that this variant is likely to be disruptive. Experimental studies have shown that this missense change affects IRAK4 function (PMID: 24316379). In summary, the available evidence is currently insufficient to determine the role of this variant in disease. Therefore, it has been classified as a Variant of Uncertain Significance.

Literature cited by the submitters: PubMed 24316379.

NM_016123.4(IRAK4):c.77T>C (p.Ile26Thr)

Gene: IRAK4 (interleukin 1 receptor associated kinase 4; plus strand). Cytogenetic location: 12q12.
Variant type: single nucleotide variant.
Coding change: c.77T>C on transcript NM_016123.4 (MANE Select); coding-DNA position 77, T replaced by C.
Protein change: p.Ile26Thr; replaces isoleucine 26 with threonine.
Molecular consequence: missense variant. On other transcripts: 5 prime UTR variant (8), intron variant (2).
Genome position (GRCh38, 1-based): chr12:43,768,188, T>C. VCF-style: chr12-43768188-T-C. GRCh37 (hg19) VCF-style: chr12-44161991-T-C.
Other names: c.77T>C, p.Ile26Thr (NM_001114182.3, NM_001351345.2); c.-150T>C (NM_001145256.2, NM_001145257.2, NM_001351338.2); c.-363T>C (NM_001351339.2, NM_001351340.2, NM_001351341.2); c.-301T>C (NM_001351343.2, NM_001351344.2); c.-278-2850T>C (NM_001351342.2); c.-65-3992T>C (NM_001145258.2); short protein forms I26T.
Identifiers: ClinVar variation 1043691 (VCV001043691.8), dbSNP rs138116867, ClinGen allele CA6522273.